The following is an entry in ClinVar:

NM_001114753.3(ENG):c.376A>G (p.Thr126Ala)

Gene: ENG (endoglin; minus strand). Cytogenetic location: 9q34.11.
Variant type: single nucleotide variant.
Coding change: c.376A>G on transcript NM_001114753.3 (MANE Select); coding-DNA position 376, A replaced by G.
Protein change: p.Thr126Ala; replaces threonine 126 with alanine.
Molecular consequence: missense variant. On other transcripts: 5 prime UTR variant (1).
Genome position (GRCh38, 1-based): chr9:127,826,657, T>C on the plus strand (A>G on the coding strand, the complement: ENG is on the minus strand). VCF-style: chr9-127826657-T-C. GRCh37 (hg19) VCF-style: chr9-130588936-T-C.
Other names: c.376A>G (NM_001114753.1); c.376A>G, p.Thr126Ala (NM_000118.4, NM_001406715.1); c.-171A>G (NM_001278138.2); short protein forms T126A.
Identifiers: ClinVar variation 1437151 (VCV001437151.10), dbSNP rs1564456742, ClinGen allele CA374984413.

ClinVar aggregate classification (germline): Conflicting classifications of pathogenicity. Review status: criteria provided, conflicting classifications (1 of 4 stars). 2 submissions from 2 submitters: Uncertain significance (1); Benign (1). Last evaluated 2026-03-09.

Conditions:
Hereditary hemorrhagic telangiectasia (HHT). Also called: ORW DISEASE; Osler Weber Rendu syndrome; OSLER-RENDU-WEBER DISEASE; Osler hemorrhagic telangiectasia syndrome. Identifiers: Orphanet 774, MedGen C0039445, MONDO:0019180. Disease mechanism: loss of function.
Cardiovascular phenotype. Identifiers: MedGen CN230736.

Allele frequency attached by ClinVar (database versions not stated): gnomAD 0.00001; gnomAD exomes below 0.00001.
gnomAD v4.1: 2 of 1,613,580 alleles (0.00012%); highest among the groups gnomAD compares: African/African-American, 0.0013%; no homozygotes.

Submissions (2):

Ambry Genetics
Classification: Uncertain significance for Cardiovascular phenotype. Last evaluated: 2026-03-09. Review status: criteria provided, single submitter. Criteria: Ambry Variant Classification Scheme 2023. Collection method: clinical testing. Allele origin: germline.
Comment: The p.T126A variant (also known as c.376A>G), located in coding exon 4 of the ENG gene, results from an A to G substitution at nucleotide position 376. The threonine at codon 126 is replaced by alanine, an amino acid with similar properties. This amino acid position is conserved. In addition, this alteration is predicted to be tolerated by in silico analysis. Based on the available evidence, the clinical significance of this variant remains unclear.

Labcorp Genetics (formerly Invitae), Labcorp
Classification: Benign for Hereditary hemorrhagic telangiectasia. Last evaluated: 2022-12-06. Review status: criteria provided, single submitter. Criteria: Invitae Variant Classification Sherloc (09022015). Collection method: clinical testing. Allele origin: germline.